The following is an entry in ClinVar:

NM_133433.4(NIPBL):c.64+5G>A

Gene: NIPBL (NIPBL cohesin loading factor; plus strand). Cytogenetic location: 5p13.2.
Variant type: single nucleotide variant.
Coding change: c.64+5G>A on transcript NM_133433.4 (MANE Select); 5 bases into the intron after coding-DNA position 64, G replaced by A.
Molecular consequence: intron variant.
Genome position (GRCh38, 1-based): chr5:36,953,765, G>A. VCF-style: chr5-36953765-G-A. GRCh37 (hg19) VCF-style: chr5-36953867-G-A.
Other names: c.64+5G>A (NM_015384.5).
Identifiers: ClinVar variation 159193 (VCV000159193.18), dbSNP rs587784011, ClinGen allele CA272229.
Genomic context (GRCh38, chr5:36,953,765, plus strand): 5'-GGATATGCCCCATGTCCCCATTACTACTCTTGCGGGGATTGCTAGTCTCACAGACCGTAA[G>A]TTTGGTTAATTTATCTAATTTAAGTTCTACTGTGTGTTAACAATAATTTTTACAGTGACT-3'

ClinVar aggregate classification (germline): Conflicting classifications of pathogenicity. Review status: criteria provided, conflicting classifications (1 of 4 stars). 4 submissions from 4 submitters: Pathogenic (1); Likely pathogenic (1); Uncertain significance (2). Last evaluated 2025-08-27.

Conditions:
Cornelia de Lange syndrome 1 (CDLS1). Also called: Brachmann de Lange syndrome; NIPBL-Related Cornelia de Lange Syndrome; TYPUS DEGENERATIVUS AMSTELODAMENSIS. Identifiers: Orphanet 199, MedGen C4551851, MONDO:0007387, OMIM 122470.

Submissions (4):

GeneDx
Classification: Pathogenic. Last evaluated: 2025-08-27. Review status: criteria provided, single submitter. Criteria: GeneDx Variant Classification Process June 2021. Collection method: clinical testing. Allele origin: germline. Affected: yes.
Comment: Published as a previously unreported mutation but additional evidence was not provided (PMID: 17221863); Intronic variant directly or indirectly altering the +5 splice site in a gene for which loss of function is a known mechanism of disease, and splice predictors support a deleterious effect; Not observed at significant frequency in large population cohorts (gnomAD); This variant is associated with the following publications: (PMID: 25525159, 17221863)

Genome-Nilou Lab
Classification: Uncertain significance for Cornelia de Lange syndrome 1. Last evaluated: 2021-07-15. Review status: criteria provided, single submitter. Criteria: ACMG Guidelines, 2015. Collection method: clinical testing. Allele origin: germline. Affected: no.

Labcorp Genetics (formerly Invitae), Labcorp
Classification: Uncertain significance for Cornelia de Lange syndrome 1. Last evaluated: 2020-10-08. Review status: criteria provided, single submitter. Criteria: Invitae Variant Classification Sherloc (09022015). Collection method: clinical testing. Allele origin: germline.
Comment: This variant has been observed in individual(s) with Cornelia de Lange syndrome (PMID: 17221863). ClinVar contains an entry for this variant (Variation ID: 159193). In summary, the available evidence is currently insufficient to determine the role of this variant in disease. Therefore, it has been classified as a Variant of Uncertain Significance. Nucleotide substitutions within the consensus splice site are a relatively common cause of aberrant splicing (PMID: 17576681, 9536098). Algorithms developed to predict the effect of sequence changes on RNA splicing suggest that this variant may disrupt the consensus splice site, but this prediction has not been confirmed by published transcriptional studies. This variant is not present in population databases (ExAC no frequency). This sequence change falls in intron 2 of the NIPBL gene. It does not directly change the encoded amino acid sequence of the NIPBL protein, but it affects a nucleotide within the consensus splice site of the intron.

Genetic Services Laboratory, University of Chicago
Classification: Likely pathogenic for Cornelia de Lange syndrome 1. Last evaluated: 2013-02-08. Review status: criteria provided, single submitter. Criteria: ACMG Guidelines, 2007. Collection method: clinical testing. Allele origin: germline. Inheritance: Autosomal dominant inheritance. Affected: yes.

Literature cited by the submitters: PubMed 17221863 (cited by Labcorp Genetics (formerly Invitae), Labcorp); PubMed 17576681 (cited by Labcorp Genetics (formerly Invitae), Labcorp); PubMed 9536098 (cited by Labcorp Genetics (formerly Invitae), Labcorp).